The following is an entry in ClinVar:

NM_001083116.3(PRF1):c.315_340dup (p.Thr114delinsMetTer)

Gene: PRF1 (perforin 1; minus strand). Cytogenetic location: 10q22.1.
Variant type: Duplication.
Coding change: c.315_340dup on transcript NM_001083116.3 (MANE Select); coding-DNA positions 315 to 340, 26 bases duplicated (TGTAACCAGGGCCAAAGTCAGCTCCA).
Protein change: p.Thr114delinsMetTer.
Molecular consequence: nonsense.
Genome position (GRCh38, 1-based): chr10:70,600,563-70,600,588, TGGAGCTGACTTTGGCCCTGGTTACA duplicated on the plus strand (TGTAACCAGGGCCAAAGTCAGCTCCA on the coding strand, the reverse complement: PRF1 is on the minus strand); duplicating any 26 consecutive bases within chr10:70,600,563-70,600,591 gives the same sequence; the c. name uses the placement nearest the transcript's 3' end. VCF-style (leftmost placement, unchanged base first): chr10-70600562-G-GTGGAGCTGACTTTGGCCCTGGTTACA. GRCh37 (hg19) VCF-style: chr10-72360318-G-GTGGAGCTGACTTTGGCCCTGGTTACA.
Other names: c.315_340dup, p.Thr114delinsMetTer (NM_005041.6).
Identifiers: ClinVar variation 3596511 (VCV003596511.3).

ClinVar aggregate classification (germline): Likely pathogenic. Review status: criteria provided, multiple submitters, no conflicts (2 of 4 stars). 2 submissions from 2 submitters: Likely pathogenic (2). Last evaluated 2024-10-22.

Conditions:
Familial hemophagocytic lymphohistiocytosis 2 (FHL2). Also called: PRF1-Related Familial Hemophagocytic Lymphohistiocytosis (PRF1-fHLH). Identifiers: Orphanet 540, MedGen C1863727, MONDO:0011337, OMIM 603553.
Aplastic anemia. Identifiers: Orphanet 182040, Orphanet 88, MedGen C0002874, MONDO:0015909, OMIM 609135, HP:0001915.
Lymphoma, non-Hodgkin, familial. Identifiers: MedGen C4721532, MONDO:0011508, OMIM 605027.

Submissions (2):

Dasa
Classification: Likely pathogenic. Last evaluated: 2024-10-22. Review status: criteria provided, single submitter. Criteria: DASA Assertion Criteria. Collection method: clinical testing. Allele origin: germline.
Comment: NM_001083116.3(PRF1):c.315_340dup (p.Thr114MetfsTer2) is a frameshift variant in PRF1 predicted to alter the reading frame and introduce a premature termination codon and is predicted to result in an absent or altered protein product. Loss of function is an established disease mechanism for PRF1-associated disorders. Also, this variant is rare in population databases. Based on the currently available evidence, this variant is classified as likely pathogenic.

Fulgent Genetics
Classification: Likely pathogenic for Familial hemophagocytic lymphohistiocytosis 2; Lymphoma, non-Hodgkin, familial; Aplastic anemia. Last evaluated: 2024-03-18. Review status: criteria provided, single submitter. Criteria: ACMG Guidelines, 2015. Collection method: clinical testing. Allele origin: germline.